The following is an entry in ClinVar:

NM_018706.7(DHTKD1):c.1266T>A (p.Asp422Glu)

Gene: DHTKD1 (dehydrogenase E1 and transketolase domain containing 1; plus strand). Cytogenetic location: 10p14.
Variant type: single nucleotide variant.
Coding change: c.1266T>A on transcript NM_018706.7 (MANE Select); coding-DNA position 1266, T replaced by A.
Protein change: p.Asp422Glu; replaces aspartic acid 422 with glutamic acid.
Molecular consequence: missense variant.
Genome position (GRCh38, 1-based): chr10:12,094,179, T>A. VCF-style: chr10-12094179-T-A. GRCh37 (hg19) VCF-style: chr10-12136178-T-A.
Other names: short protein forms D422E.
Identifiers: ClinVar variation 1511345 (VCV001511345.8), dbSNP rs1833034016, ClinGen allele CA376020237.

ClinVar aggregate classification (germline): Uncertain significance (1 of 4 stars; one submission).

Conditions:
2-aminoadipic 2-oxoadipic aciduria (AAKAD). Also called: Aminoadipic aciduria; ALPHA-AMINOADIPIC AND ALPHA-KETOADIPIC ACIDURIA. Identifiers: Orphanet 79154, MedGen C1859817, MONDO:0008774, OMIM 204750.

gnomAD v4.1: 2 of 1,614,140 alleles (0.00012%); highest among the groups gnomAD compares: Admixed American, 0.0017%; no homozygotes.

Submission:

Labcorp Genetics (formerly Invitae), Labcorp
Classification: Uncertain significance for 2-aminoadipic 2-oxoadipic aciduria. Last evaluated: 2021-12-24. Review status: criteria provided, single submitter. Criteria: Invitae Variant Classification Sherloc (09022015). Collection method: clinical testing. Allele origin: germline.
Comment: In summary, the available evidence is currently insufficient to determine the role of this variant in disease. Therefore, it has been classified as a Variant of Uncertain Significance. This sequence change replaces aspartic acid, which is acidic and polar, with glutamic acid, which is acidic and polar, at codon 422 of the DHTKD1 protein (p.Asp422Glu). This variant is not present in population databases (gnomAD no frequency). This variant has not been reported in the literature in individuals affected with DHTKD1-related conditions. Algorithms developed to predict the effect of missense changes on protein structure and function (SIFT, PolyPhen-2, Align-GVGD) all suggest that this variant is likely to be disruptive.